The following is an entry in ClinVar:

NM_000748.3(CHRNB2):c.946G>T (p.Val316Leu)

Gene: CHRNB2 (cholinergic receptor nicotinic beta 2 subunit; plus strand). Cytogenetic location: 1q21.3.
Variant type: single nucleotide variant.
Coding change: c.946G>T on transcript NM_000748.3 (MANE Select); coding-DNA position 946, G replaced by T.
Protein change: p.Val316Leu; replaces valine 316 with leucine.
Molecular consequence: missense variant.
Genome position (GRCh38, 1-based): chr1:154,571,769, G>T. VCF-style: chr1-154571769-G-T. GRCh37 (hg19) VCF-style: chr1-154544245-G-T.
Other names: short protein forms V316L.
Identifiers: ClinVar variation 1720511 (VCV001720511.5), dbSNP rs773957177, ClinGen allele CA342631163.

ClinVar aggregate classification (germline): Uncertain significance (1 of 4 stars; one submission).

Conditions:
Familial sleep-related hypermotor epilepsy. Also called: Autosomal Dominant Sleep-Related Hypermotor (Hyperkinetic) Epilepsy. Identifiers: Orphanet 98784, MedGen C3696898, MONDO:0000030.

gnomAD v4.1: 2 of 1,614,154 alleles (0.00012%); highest among the groups gnomAD compares: Non-Finnish European, 0.000085%; no homozygotes.

Submission:

Labcorp Genetics (formerly Invitae), Labcorp
Classification: Uncertain significance. Last evaluated: 2023-08-10. Review status: criteria provided, single submitter. Criteria: Invitae Variant Classification Sherloc (09022015). Collection method: clinical testing. Allele origin: germline.
Comment: In summary, the available evidence is currently insufficient to determine the role of this variant in disease. Therefore, it has been classified as a Variant of Uncertain Significance. Advanced modeling of protein sequence and biophysical properties (such as structural, functional, and spatial information, amino acid conservation, physicochemical variation, residue mobility, and thermodynamic stability) performed at Invitae indicates that this missense variant is expected to disrupt CHRNB2 protein function. ClinVar contains an entry for this variant (Variation ID: 1720511). This variant has not been reported in the literature in individuals affected with CHRNB2-related conditions. This variant is not present in population databases (gnomAD no frequency). This sequence change replaces valine, which is neutral and non-polar, with leucine, which is neutral and non-polar, at codon 316 of the CHRNB2 protein (p.Val316Leu).